The following is an entry in ClinVar:

ClinVar aggregate classification (germline): Conflicting classifications of pathogenicity. Review status: criteria provided, conflicting classifications (1 of 4 stars). 4 submissions from 4 submitters: Uncertain significance (3); Benign (1). Last evaluated 2025-10-08.

Conditions:
Fanconi anemia complementation group O. Also called: RAD51C-Related Fanconi Anemia. Identifiers: Orphanet 84, MedGen C3150653, MONDO:0013248, OMIM 613390.
Hereditary cancer-predisposing syndrome. Also called: Hereditary neoplastic syndrome; Neoplastic Syndromes, Hereditary; Tumor predisposition; Hereditary Cancer Syndrome. Identifiers: Orphanet 140162, MedGen C0027672, MeSH D009386, MONDO:0015356.

Allele frequency attached by ClinVar (database versions not stated): gnomAD exomes below 0.00001; ExAC 0.00001; TOPMed 0.00001.
gnomAD v4.1: 1 of 1,614,216 alleles (0.000062%); highest among the groups gnomAD compares: Non-Finnish European, 0.000085%; no homozygotes.

Submissions (4):

Ambry Genetics
Classification: Benign for Hereditary cancer-predisposing syndrome. Last evaluated: 2025-10-08. Review status: criteria provided, single submitter. Criteria: Ambry Variant Classification Scheme 2023. Collection method: clinical testing. Allele origin: germline.

Labcorp Genetics (formerly Invitae), Labcorp
Classification: Uncertain significance for Fanconi anemia complementation group O. Last evaluated: 2025-09-23. Review status: criteria provided, single submitter. Criteria: Invitae Variant Classification Sherloc (09022015). Collection method: clinical testing. Allele origin: germline.
Comment: This sequence change replaces phenylalanine, which is neutral and non-polar, with tyrosine, which is neutral and polar, at codon 6 of the RAD51C protein (p.Phe6Tyr). This variant is present in population databases (rs771332058, gnomAD 0.0009%). This variant has not been reported in the literature in individuals affected with RAD51C-related conditions. ClinVar contains an entry for this variant (Variation ID: 409849). An algorithm developed to predict the effect of missense changes on protein structure and function (PolyPhen-2) suggests that this variant is likely to be tolerated. In summary, the available evidence is currently insufficient to determine the role of this variant in disease. Therefore, it has been classified as a Variant of Uncertain Significance.

Color Diagnostics, LLC DBA Color Health
Classification: Uncertain significance for Hereditary cancer-predisposing syndrome. Last evaluated: 2022-10-10. Review status: criteria provided, single submitter. Criteria: ACMG Guidelines, 2015. Collection method: clinical testing. Allele origin: germline.
Comment: This missense variant replaces phenylalanine with tyrosine at codon 6 of the RAD51C protein. Computational prediction suggests that this variant may not impact protein structure and function (internally defined REVEL score threshold <= 0.5, PMID: 27666373). To our knowledge, functional studies have not been reported for this variant. This variant has not been reported in individuals affected with hereditary cancer in the literature. This variant has been identified in 1/251416 chromosomes in the general population by the Genome Aggregation Database (gnomAD). The available evidence is insufficient to determine the role of this variant in disease conclusively. Therefore, this variant is classified as a Variant of Uncertain Significance.

GeneDx
Classification: Uncertain significance. Last evaluated: 2015-05-11. Review status: criteria provided, single submitter. Criteria: GeneDx Variant Classification (06012015). Collection method: clinical testing. Allele origin: germline. Affected: yes.
Comment: This variant is denoted RAD51C c.17T>A at the cDNA level, p.Phe6Tyr (F6Y) at the protein level, and results in the change of a Phenylalanine to a Tyrosine (TTC>TAC). This variant has not, to our knowledge, been published in the literature as pathogenic or benign. RAD51C Phe6Tyr was not observed in approximately 6,500 individuals of European and African American ancestry in the NHLBI Exome Sequencing Project, indicating it is not a common benign variant in these populations. Since Phenylalanine and Tyrosine differ in polarity, charge, size or other properties, this is considered a non-conservative amino acid substitution. RAD51C Phe6Tyr occurs at a position that is not conserved and is located in the region required for Holliday junction resolution activity (UniProt). In silico analyses predict that this variant is unlikely to alter protein structure or function. Based on currently available information, it is unclear whether RAD51C Phe6Tyr is pathogenic or benign. We consider it to be a variant of uncertain significance.

NM_058216.3(RAD51C):c.17T>A (p.Phe6Tyr)

Gene: RAD51C (RAD51 paralog C; plus strand). Cytogenetic location: 17q22.
Variant type: single nucleotide variant.
Coding change: c.17T>A on transcript NM_058216.3 (MANE Select); coding-DNA position 17, T replaced by A.
Protein change: p.Phe6Tyr; replaces phenylalanine 6 with tyrosine.
Molecular consequence: missense variant. On other transcripts: non-coding transcript variant (2).
Genome position (GRCh38, 1-based): chr17:58,692,660, T>A. VCF-style: chr17-58692660-T-A. GRCh37 (hg19) VCF-style: chr17-56770021-T-A.
Other names: c.17T>A, p.Phe6Tyr (NM_002876.4); short protein forms F6Y.
Identifiers: ClinVar variation 409849 (VCV000409849.19), dbSNP rs771332058, ClinGen allele CA8677122.
Genomic context (GRCh38, chr17:58,692,660, plus strand): 5'-GCGTGCGGAGTTTGGCTGCTCCGGGGTTAGCAGGTGAGCCTGCGATGCGCGGGAAGACGT[T>A]CCGCTTTGAAATGCAGCGGGATTTGGTGAGTTTCCCGCTGTCTCCAGCGGTGCGGGTGAA-3'
Protein context (NP_478123.1, residues 1-16): MRGKT[Phe6Tyr]RFEMQRDLVS